The following is an entry in ClinVar:

ClinVar aggregate classification (germline): Uncertain significance (1 of 4 stars; one submission).

gnomAD v4.1: 10 of 1,590,792 alleles (0.00063%); highest among the groups gnomAD compares: Middle Eastern, 0.05%; no homozygotes.

Submission:

Mayo Clinic Laboratories, Mayo Clinic
Classification: Uncertain significance. Last evaluated: 2024-10-22. Review status: criteria provided, single submitter. Criteria: ACMG Guidelines, 2015. Collection method: clinical testing. Allele origin: germline. Observed: 1 variant allele.
Comment: BP4, PM2_supporting

NM_153638.4(PANK2):c.224C>T (p.Ser75Leu)

Genes: PANK2 (pantothenate kinase 2; plus strand), LOC130065345 (ATAC-STARR-seq lymphoblastoid silent region 12635; plus strand). Cytogenetic location: 20p13.
Variant type: single nucleotide variant.
Coding change: c.224C>T on transcript NM_153638.4; coding-DNA position 224, C replaced by T.
Protein change: p.Ser75Leu; replaces serine 75 with leucine.
Molecular consequence: missense variant. On other transcripts: intron variant (1).
Genome position (GRCh38, 1-based): chr20:3,889,324, C>T. VCF-style: chr20-3889324-C-T. GRCh37 (hg19) VCF-style: chr20-3869971-C-T.
Other names: p.Ser75Leu; c.224C>T, p.Ser75Leu (NM_001324192.1); c.-246+420C>T (NM_024960.6); short protein forms S75L.
Identifiers: ClinVar variation 4542373 (VCV004542373.1).